The following is an entry in ClinVar:

NM_024306.5(FA2H):c.379C>T (p.Arg127Ter)

Gene: FA2H (fatty acid 2-hydroxylase; minus strand). Cytogenetic location: 16q23.1.
Variant type: single nucleotide variant.
Coding change: c.379C>T on transcript NM_024306.5 (MANE Select); coding-DNA position 379, C replaced by T.
Protein change: p.Arg127Ter; replaces arginine 127 with a stop codon.
Molecular consequence: nonsense.
Genome position (GRCh38, 1-based): chr16:74,727,371, G>A on the plus strand (C>T on the coding strand, the complement: FA2H is on the minus strand). VCF-style: chr16-74727371-G-A. GRCh37 (hg19) VCF-style: chr16-74761269-G-A.
Other names: short protein forms R127*.
Identifiers: ClinVar variation 1012406 (VCV001012406.40), dbSNP rs1210045384, ClinGen allele CA396770244.

ClinVar aggregate classification (germline): Pathogenic/Likely pathogenic. Review status: criteria provided, multiple submitters, no conflicts (2 of 4 stars). 3 submissions from 3 submitters: Pathogenic (2); Likely pathogenic (1). Last evaluated 2025-09-10.

Conditions:
Hereditary spastic paraplegia 35. Also called: SPASTIC PARAPLEGIA 35, AUTOSOMAL RECESSIVE, WITH OR WITHOUT NEURODEGENERATION; LEUKODYSTROPHY, DYSMYELINATING, AND SPASTIC PARAPARESIS WITH OR WITHOUT DYSTONIA; Spastic paraplegia 35, autosomal recessive; Spastic paraplegia 35. Identifiers: Orphanet 171629, MedGen C3496228, MONDO:0012866, OMIM 612319.

Allele frequency attached by ClinVar (database versions not stated): gnomAD exomes below 0.00001; gnomAD 0.00001; TOPMed 0.00001.

Submissions (3):

Genomic Medicine Center of Excellence, King Faisal Specialist Hospital and Research Centre
Classification: Pathogenic for Hereditary spastic paraplegia 35. Last evaluated: 2025-09-10. Review status: criteria provided, single submitter. Criteria: ACMG Guidelines, 2015. Collection method: clinical testing. Allele origin: germline.

CeGaT Center for Human Genetics Tuebingen
Classification: Pathogenic. Last evaluated: 2024-05-01. Review status: criteria provided, single submitter. Criteria: CeGaT Center For Human Genetics Tuebingen Variant Classification Criteria Version 2. Collection method: clinical testing. Allele origin: germline. Affected: yes. Observed: 3 variant alleles.
Comment: FA2H: PVS1, PM2

Fulgent Genetics
Classification: Likely pathogenic for Hereditary spastic paraplegia 35. Last evaluated: 2024-03-27. Review status: criteria provided, single submitter. Criteria: ACMG Guidelines, 2015. Collection method: clinical testing. Allele origin: germline.